The following is an entry in ClinVar:

ClinVar aggregate classification (germline): Conflicting classifications of pathogenicity. Review status: criteria provided, conflicting classifications (1 of 4 stars). 4 submissions from 4 submitters: Likely pathogenic (1); Uncertain significance (3). Last evaluated 2026-07-03.

Conditions:
Inborn genetic diseases. Identifiers: MedGen C0950123, MeSH D030342.
STS-related disorder. Also called: STS-related condition.

gnomAD v4.1: 6 of 1,210,589 alleles (0.0005%); highest among the groups gnomAD compares: Non-Finnish European, 0.00022%; no homozygotes.

Submissions (4):

Ambry Genetics
Classification: Uncertain significance for Inborn genetic diseases. Last evaluated: 2026-07-03. Review status: criteria provided, single submitter. Criteria: Ambry Variant Classification Scheme 2023. Collection method: clinical testing. Allele origin: germline.
Comment: The c.218C>T (p.P73L) alteration is located in exon 3 (coding exon 3) of the STS gene. This alteration results from a C to T substitution at nucleotide position 218, causing the proline (P) at amino acid position 73 to be replaced by a leucine (L). Based on data from gnomAD, the T allele has an overall frequency of <0.001% (0/22062) total alleles studied. The highest observed frequency was <0.001% (/) of alleles. Based on insufficient or conflicting evidence, the clinical significance of this alteration remains unclear.

Labcorp Genetics (formerly Invitae), Labcorp
Classification: Uncertain significance. Last evaluated: 2026-01-06. Review status: criteria provided, single submitter. Criteria: Invitae Variant Classification Sherloc (09022015). Collection method: clinical testing. Allele origin: germline.
Comment: This sequence change replaces proline, which is neutral and non-polar, with leucine, which is neutral and non-polar, at codon 73 of the STS protein (p.Pro73Leu). This variant is not present in population databases (gnomAD no frequency). This variant has not been reported in the literature in individuals affected with STS-related conditions. ClinVar contains an entry for this variant (Variation ID: 3337638). Invitae Evidence Modeling of protein sequence and biophysical properties (such as structural, functional, and spatial information, amino acid conservation, physicochemical variation, residue mobility, and thermodynamic stability) indicates that this missense variant is expected to disrupt STS protein function with a positive predictive value of 80%. In summary, the available evidence is currently insufficient to determine the role of this variant in disease. Therefore, it has been classified as a Variant of Uncertain Significance.

Clinical Genetics Laboratory, Skane University Hospital Lund
Classification: Uncertain significance. Last evaluated: 2023-08-15. Review status: criteria provided, single submitter. Criteria: ACMG Guidelines, 2015. Collection method: clinical testing. Allele origin: germline. Affected: yes.

Blueprint Genetics
Classification: Likely pathogenic for STS-related disorders. Last evaluated: 2022-05-10. Review status: criteria provided, single submitter. Criteria: ACMG Guidelines, 2015. Collection method: clinical testing. Allele origin: germline. Affected: yes. Observed: 2 variant alleles.

NM_001320752.2(STS):c.203C>T (p.Pro68Leu)

Gene: STS (steroid sulfatase; plus strand). Cytogenetic location: Xp22.31.
Variant type: single nucleotide variant.
Coding change: c.203C>T on transcript NM_001320752.2 (MANE Select); coding-DNA position 203, C replaced by T.
Protein change: p.Pro68Leu; replaces proline 68 with leucine.
Molecular consequence: missense variant.
Genome position (GRCh38, 1-based): chrX:7,257,307, C>T. VCF-style: chrX-7257307-C-T. GRCh37 (hg19) VCF-style: chrX-7175348-C-T.
Other names: c.203C>T, p.Pro68Leu (NM_000351.7, NM_001320753.2, NM_001320754.2); c.239C>T, p.Pro80Leu (NM_001320750.3, NM_001320751.2); c.218C>T (NM_000351.4); short protein forms P68L, P80L.
Identifiers: ClinVar variation 3337638 (VCV003337638.4).